The following is an entry in ClinVar:

NM_177550.5(SLC13A5):c.21T>A (p.Tyr7Ter)

Gene: SLC13A5 (solute carrier family 13 member 5; minus strand). Cytogenetic location: 17p13.1.
Variant type: single nucleotide variant.
Coding change: c.21T>A on transcript NM_177550.5 (MANE Select); coding-DNA position 21, T replaced by A.
Protein change: p.Tyr7Ter; replaces tyrosine 7 with a stop codon.
Molecular consequence: nonsense.
Genome position (GRCh38, 1-based): chr17:6,713,313, A>T on the plus strand (T>A on the coding strand, the complement: SLC13A5 is on the minus strand). VCF-style: chr17-6713313-A-T. GRCh37 (hg19) VCF-style: chr17-6616632-A-T.
Other names: c.21T>A, p.Tyr7Ter (NM_001143838.3, NM_001284509.2, NM_001284510.2); short protein forms Y7*.
Identifiers: ClinVar variation 1787621 (VCV001787621.2), dbSNP rs745716856, ClinGen allele CA397754043.

ClinVar aggregate classification (germline): Uncertain significance (1 of 4 stars; one submission).

Conditions:
Inborn genetic diseases. Identifiers: MedGen C0950123, MeSH D030342.

Submission:

Ambry Genetics
Classification: Uncertain significance for Inborn genetic diseases. Last evaluated: 2019-01-23. Review status: criteria provided, single submitter. Criteria: Ambry Variant Classification Scheme 2023. Collection method: clinical testing. Allele origin: germline.
Comment: The p.Y7* variant (also known as c.21T>A), located in coding exon 1 of the SLC13A5 gene, results from a T to A substitution at nucleotide position 21. This changes the amino acid from a tyrosine to a stop codon within coding exon 1. This amino acid position is well conserved in available vertebrate species. However there is an alternate in-frame methionine 30 amino acids from the initiation site and the significance of the N-terminus for this protein is not well established. Since supporting evidence is limited at this time, the clinical significance of this alteration remains unclear.